The following is an entry in ClinVar:

ClinVar aggregate classification (germline): Conflicting classifications of pathogenicity. Review status: criteria provided, conflicting classifications (1 of 4 stars). 3 submissions from 3 submitters: Uncertain significance (2); Likely benign (1). Last evaluated 2026-03-27.

Allele frequency attached by ClinVar (database versions not stated): gnomAD exomes 0.00008 and 0.00002; 1000 Genomes Project 30x 0.00016; gnomAD 0.00022; 1000 Genomes Project 0.00020.

Submissions (3):

Dasa
Classification: Uncertain significance. Last evaluated: 2026-03-27. Review status: criteria provided, single submitter. Criteria: DASA Assertion Criteria. Collection method: clinical testing. Allele origin: germline.
Comment: NM_001164508.2(NEB):c.12718G>A (p.Ala4240Thr) is a missense variant that results in the substitution of alanine with threonine. This variant has been observed in affected individuals with NEB-related disorders. Also, this variant is rare in population databases. The currently available literature and clinical evidence are not sufficient to establish a definitive association between this variant and the reported condition. Therefore, this variant is classified as a variant of uncertain significance.

Revvity Omics, Revvity
Classification: Uncertain significance. Last evaluated: 2024-12-18. Review status: criteria provided, single submitter. Criteria: ACMG Guidelines, 2015. Collection method: clinical testing. Allele origin: germline.

GeneDx
Classification: Likely benign. Last evaluated: 2017-08-08. Review status: criteria provided, single submitter. Criteria: GeneDx Variant Classification (06012015). Collection method: clinical testing. Allele origin: germline. Affected: yes.
Comment: This variant is considered likely benign or benign based on one or more of the following criteria: it is a conservative change, it occurs at a poorly conserved position in the protein, it is predicted to be benign by multiple in silico algorithms, and/or has population frequency not consistent with disease.

NM_001164508.2(NEB):c.12718G>A (p.Ala4240Thr)

Gene: NEB (nebulin; minus strand). Cytogenetic location: 2q23.3.
Variant type: single nucleotide variant.
Coding change: c.12718G>A on transcript NM_001164508.2 (MANE Select); coding-DNA position 12718, G replaced by A.
Protein change: p.Ala4240Thr; replaces alanine 4240 with threonine.
Molecular consequence: missense variant. On other transcripts: intron variant (1).
Genome position (GRCh38, 1-based): chr2:151,606,635, C>T on the plus strand (G>A on the coding strand, the complement: NEB is on the minus strand). VCF-style: chr2-151606635-C-T. GRCh37 (hg19) VCF-style: chr2-152463149-C-T.
Other names: c.12718G>A, p.Ala4240Thr (NM_001164507.2, NM_001271208.2); c.11601+3174G>A (NM_004543.5); short protein forms A4240T.
Identifiers: ClinVar variation 511213 (VCV000511213.6), dbSNP rs561736266, ClinGen allele CA57631031.